The following is an entry in ClinVar:

ClinVar aggregate classification (germline): Uncertain significance (1 of 4 stars; one submission).

Conditions:
Alstrom syndrome (ALMS). Identifiers: Orphanet 64, MedGen C0268425, MONDO:0008763, OMIM 203800.

Allele frequency attached by ClinVar (database versions not stated): gnomAD exomes below 0.00001.
gnomAD v4.1: 1 of 1,613,744 alleles (0.000062%); highest among the groups gnomAD compares: East Asian, 0.0022%; no homozygotes.

Submission:

Labcorp Genetics (formerly Invitae), Labcorp
Classification: Uncertain significance for Alstrom syndrome. Last evaluated: 2022-06-14. Review status: criteria provided, single submitter. Criteria: Invitae Variant Classification Sherloc (09022015). Collection method: clinical testing. Allele origin: germline.
Comment: This sequence change replaces glutamine, which is neutral and polar, with arginine, which is basic and polar, at codon 1818 of the ALMS1 protein (p.Gln1818Arg). This variant is not present in population databases (gnomAD no frequency). This variant has not been reported in the literature in individuals affected with ALMS1-related conditions. Experimental studies and prediction algorithms are not available or were not evaluated, and the functional significance of this variant is currently unknown. In summary, the available evidence is currently insufficient to determine the role of this variant in disease. Therefore, it has been classified as a Variant of Uncertain Significance.

NM_001378454.1(ALMS1):c.5450A>G (p.Gln1817Arg)

Gene: ALMS1 (ALMS1 centrosome and basal body associated protein; plus strand). Cytogenetic location: 2p13.1.
Variant type: single nucleotide variant.
Coding change: c.5450A>G on transcript NM_001378454.1 (MANE Select); coding-DNA position 5450, A replaced by G.
Protein change: p.Gln1817Arg; replaces glutamine 1817 with arginine.
Molecular consequence: missense variant.
Genome position (GRCh38, 1-based): chr2:73,451,977, A>G. VCF-style: chr2-73451977-A-G. GRCh37 (hg19) VCF-style: chr2-73679104-A-G.
Other names: c.5453A>G, p.Gln1818Arg (NM_015120.4); short protein forms Q1818R, Q1817R.
Identifiers: ClinVar variation 1992220 (VCV001992220.1), dbSNP rs1558650190, ClinGen allele CA347282168.